The following is an entry in ClinVar:

ClinVar aggregate classification (germline): Conflicting classifications of pathogenicity. Review status: criteria provided, conflicting classifications (1 of 4 stars). 2 submissions from 2 submitters: Uncertain significance (1); Likely benign (1). Last evaluated 2024-02-12.

Conditions:
Long QT syndrome (LQTS). Identifiers: MedGen C0023976, MeSH D008133, MONDO:0002442. Disease mechanism: loss of function. Inheritance: Various modes of inheritance.
Cardiovascular phenotype. Identifiers: MedGen CN230736.

gnomAD v4.1: 3 of 1,572,518 alleles (0.00019%); highest among the groups gnomAD compares: African/African-American, 0.0041%; no homozygotes.

Submissions (2):

Labcorp Genetics (formerly Invitae), Labcorp
Classification: Likely benign for Long QT syndrome. Last evaluated: 2024-02-12. Review status: criteria provided, single submitter. Criteria: Invitae Variant Classification Sherloc (09022015). Collection method: clinical testing. Allele origin: germline.

Ambry Genetics
Classification: Uncertain significance for Cardiovascular phenotype. Last evaluated: 2023-10-06. Review status: criteria provided, single submitter. Criteria: Ambry Variant Classification Scheme 2023. Collection method: clinical testing. Allele origin: germline.
Comment: The p.S22N variant (also known as c.65G>A), located in coding exon 2 of the CACNA1C gene, results from a G to A substitution at nucleotide position 65. The serine at codon 22 is replaced by asparagine, an amino acid with highly similar properties. This amino acid position is highly conserved in available vertebrate species. In addition, the in silico prediction for this alteration is inconclusive. Since supporting evidence is limited at this time, the clinical significance of this alteration remains unclear.

NM_000719.7(CACNA1C):c.65G>A (p.Ser22Asn)

Gene: CACNA1C (calcium voltage-gated channel subunit alpha1 C; plus strand). Cytogenetic location: 12p13.33.
Variant type: single nucleotide variant.
Coding change: c.65G>A on transcript NM_000719.7 (MANE Select); coding-DNA position 65, G replaced by A.
Protein change: p.Ser22Asn; replaces serine 22 with asparagine.
Molecular consequence: missense variant.
Genome position (GRCh38, 1-based): chr12:2,115,239, G>A. VCF-style: chr12-2115239-G-A. GRCh37 (hg19) VCF-style: chr12-2224405-G-A.
Other names: c.65G>A, p.Ser22Asn (NM_001129827.2, NM_001129829.2, NM_001129830.3 and 19 more transcripts); short protein forms S22N.
Identifiers: ClinVar variation 1754411 (VCV001754411.7), dbSNP rs769703001, ClinGen allele CA383652864.